The following is an entry in ClinVar:

NM_198578.4(LRRK2):c.3581A>G (p.Asn1194Ser)

Gene: LRRK2 (leucine rich repeat kinase 2; plus strand). Cytogenetic location: 12q12.
Variant type: single nucleotide variant.
Coding change: c.3581A>G on transcript NM_198578.4 (MANE Select); coding-DNA position 3581, A replaced by G.
Protein change: p.Asn1194Ser; replaces asparagine 1194 with serine.
Molecular consequence: missense variant.
Genome position (GRCh38, 1-based): chr12:40,302,873, A>G. VCF-style: chr12-40302873-A-G. GRCh37 (hg19) VCF-style: chr12-40696675-A-G.
Other names: short protein forms N1194S.
Identifiers: ClinVar variation 3540482 (VCV003540482.1).

ClinVar aggregate classification (germline): Uncertain significance (1 of 4 stars; one submission).

Conditions:
Inborn genetic diseases. Identifiers: MedGen C0950123, MeSH D030342.

gnomAD v4.1: 1 of 1,567,660 alleles (0.000064%); highest among the groups gnomAD compares: Non-Finnish European, 0.000088%; no homozygotes.

Submission:

Ambry Genetics
Classification: Uncertain significance for Inborn genetic diseases. Last evaluated: 2024-08-09. Review status: criteria provided, single submitter. Criteria: Ambry Variant Classification Scheme 2023. Collection method: clinical testing. Allele origin: germline.
Comment: The p.N1194S variant (also known as c.3581A>G), located in coding exon 26 of the LRRK2 gene, results from an A to G substitution at nucleotide position 3581. The asparagine at codon 1194 is replaced by serine, an amino acid with highly similar properties. This amino acid position is conserved. In addition, this alteration is predicted to be tolerated by in silico analysis. Based on the available evidence, the clinical significance of this variant remains unclear.